The following is an entry in ClinVar:

NM_001079843.3(CASZ1):c.964G>A (p.Gly322Ser)

Gene: CASZ1 (castor zinc finger 1; minus strand). Cytogenetic location: 1p36.22.
Variant type: single nucleotide variant.
Coding change: c.964G>A on transcript NM_001079843.3 (MANE Select); coding-DNA position 964, G replaced by A.
Protein change: p.Gly322Ser; replaces glycine 322 with serine.
Molecular consequence: missense variant.
Genome position (GRCh38, 1-based): chr1:10,660,078, C>T on the plus strand (G>A on the coding strand, the complement: CASZ1 is on the minus strand). VCF-style: chr1-10660078-C-T. GRCh37 (hg19) VCF-style: chr1-10720135-C-T.
Other names: c.964G>A, p.Gly322Ser (NM_017766.5); c.964G>A (NM_001079843.1); short protein forms G322S.
Identifiers: ClinVar variation 1481009 (VCV001481009.7), dbSNP rs139953654, ClinGen allele CA585273.

ClinVar aggregate classification (germline): Conflicting classifications of pathogenicity. Review status: criteria provided, conflicting classifications (1 of 4 stars). 3 submissions from 3 submitters: Uncertain significance (2); Likely benign (1). Last evaluated 2024-10-21.

Allele frequency attached by ClinVar (database versions not stated): 1000 Genomes Project 30x 0.00016; 1000 Genomes Project 0.00020; ExAC 0.00022; gnomAD exomes 0.00022; ESP Exome Variant Server 0.00023.
gnomAD v4.1: 608 of 1,614,168 alleles (0.038%); highest among the groups gnomAD compares: Non-Finnish European, 0.048%; no homozygotes.

Submissions (3):

Blueprint Genetics
Classification: Likely benign. Last evaluated: 2024-10-21. Review status: criteria provided, single submitter. Criteria: ACMG Guidelines, 2015. Collection method: clinical testing. Allele origin: germline.

Ambry Genetics
Classification: Uncertain significance. Last evaluated: 2023-12-09. Review status: criteria provided, single submitter. Criteria: Ambry Variant Classification Scheme 2023. Collection method: clinical testing. Allele origin: germline.

Labcorp Genetics (formerly Invitae), Labcorp
Classification: Uncertain significance. Last evaluated: 2022-08-31. Review status: criteria provided, single submitter. Criteria: Invitae Variant Classification Sherloc (09022015). Collection method: clinical testing. Allele origin: germline.
Comment: This sequence change replaces glycine, which is neutral and non-polar, with serine, which is neutral and polar, at codon 322 of the CASZ1 protein (p.Gly322Ser). This variant is present in population databases (rs139953654, gnomAD 0.04%). This variant has not been reported in the literature in individuals affected with CASZ1-related conditions. ClinVar contains an entry for this variant (Variation ID: 1481009). Algorithms developed to predict the effect of missense changes on protein structure and function are either unavailable or do not agree on the potential impact of this missense change (SIFT: "Tolerated"; PolyPhen-2: "Possibly Damaging"; Align-GVGD: "Class C0"). In summary, the available evidence is currently insufficient to determine the role of this variant in disease. Therefore, it has been classified as a Variant of Uncertain Significance.